The following is an entry in ClinVar:

NM_000204.5(CFI):c.1233C>A (p.Tyr411Ter)

Gene: CFI (complement factor I; minus strand). Cytogenetic location: 4q25.
Variant type: single nucleotide variant.
Coding change: c.1233C>A on transcript NM_000204.5 (MANE Select); coding-DNA position 1233, C replaced by A.
Protein change: p.Tyr411Ter; replaces tyrosine 411 with a stop codon.
Molecular consequence: nonsense. On other transcripts: non-coding transcript variant (2).
Genome position (GRCh38, 1-based): chr4:109,746,418, G>T on the plus strand (C>A on the coding strand, the complement: CFI is on the minus strand). VCF-style: chr4-109746418-G-T. GRCh37 (hg19) VCF-style: chr4-110667574-G-T.
Other names: c.1233C>A (NM_000204.4); c.1257C>A, p.Tyr419Ter (NM_001318057.2, NM_001375278.1); c.1212C>A, p.Tyr404Ter (NM_001331035.2, NM_001375280.1, NM_001375282.1); c.1233C>A, p.Tyr411Ter (NM_001375279.1, NM_001375281.1); c.1176C>A, p.Tyr392Ter (NM_001375283.1); c.624C>A, p.Tyr208Ter (NM_001375284.1); short protein forms Y411*, Y404*, Y419*, Y208*, Y392*.
Identifiers: ClinVar variation 452535 (VCV000452535.7), dbSNP rs752671716, ClinGen allele CA357857439.

ClinVar aggregate classification (germline): Likely pathogenic/Pathogenic, low penetrance. Review status: criteria provided, multiple submitters, no conflicts (2 of 4 stars). 4 submissions from 4 submitters: Likely pathogenic (3); Pathogenic, low penetrance (1). Last evaluated 2025-09-26.

Conditions:
Age related macular degeneration 13. Identifiers: MedGen C3809523, MONDO:0014189, OMIM 615439.
Atypical hemolytic-uremic syndrome with I factor anomaly. Also called: HEMOLYTIC UREMIC SYNDROME, ATYPICAL, SUSCEPTIBILITY TO, 3; AHUS, SUSCEPTIBILITY TO, 3. Identifiers: Orphanet 2134, MedGen C2752039, MONDO:0013041, OMIM 612923.
Factor I deficiency (CFID). Also called: Complement factor I deficiency. Identifiers: Orphanet 200418, MedGen C3463916, MONDO:0012594, OMIM 610984.
CFI-related disorder. Also called: CFI-related disorders; CFI-related condition. Identifiers: MedGen CN239325.

gnomAD v4.1: 1 of 1,613,522 alleles (0.000062%); highest among the groups gnomAD compares: Non-Finnish European, 0.000085%; no homozygotes.

Submissions (4):

Genomenon, Inc
Classification: Pathogenic, low penetrance for CFI-related disorder. Last evaluated: 2025-09-26. Review status: criteria provided, single submitter. Criteria: Genomenon Sequence Variant Interpretation Standards - Updated. Collection method: curation. Allele origin: germline. Affected: no.
Comment: CFI p.Tyr411Ter (c.1233C>A) is a nonsense variant that introduces a premature stop codon at amino acid position 411, creating a truncated protein that is predicted to undergo nonsense-mediated mRNA decay. This variant has been reported in the published literature (PMID:27939104). At least one functional study has demonstrated a substantial alteration in protein function relative to the wild-type (PMID:32510551). It is absent or not present at a significant frequency in gnomAD. In conclusion, we classify CFI p.Tyr411Ter (c.1233C>A) as a pathogenic, low penetrance variant.

Revvity Omics, Revvity
Classification: Likely pathogenic for Factor I deficiency. Last evaluated: 2022-04-11. Review status: criteria provided, single submitter. Criteria: ACMG Guidelines, 2015. Collection method: clinical testing. Allele origin: germline.

Fulgent Genetics
Classification: Likely pathogenic for Factor I deficiency; Atypical hemolytic-uremic syndrome with I factor anomaly; Age related macular degeneration 13. Last evaluated: 2021-12-30. Review status: criteria provided, single submitter. Criteria: ACMG Guidelines, 2015. Collection method: clinical testing. Allele origin: unknown.

GeneDx
Classification: Likely pathogenic. Last evaluated: 2017-10-10. Review status: criteria provided, single submitter. Criteria: GeneDx Variant Classification (06012015). Collection method: clinical testing. Allele origin: germline. Affected: yes.
Comment: The Y411X variant in the CFI gene has not been reported previously as a pathogenic variant nor as a benign variant, to our knowledge. This variant is predicted to cause loss of normal protein function either through protein truncation or nonsense-mediated mRNA decay. The Y411X variant is not observed in large population cohorts (Lek et al., 2016). We interpret Y411X as a likely pathogenic variant.

Literature cited by the submitters: PubMed 27939104 (cited by Genomenon, Inc); 32510551 (cited by Genomenon, Inc).